The following is an entry in ClinVar:

NM_015047.3(EMC1):c.616G>T (p.Asp206Tyr)

Gene: EMC1 (ER membrane protein complex subunit 1; minus strand). Cytogenetic location: 1p36.13.
Variant type: single nucleotide variant.
Coding change: c.616G>T on transcript NM_015047.3 (MANE Select); coding-DNA position 616, G replaced by T.
Protein change: p.Asp206Tyr; replaces aspartic acid 206 with tyrosine.
Molecular consequence: missense variant.
Genome position (GRCh38, 1-based): chr1:19,241,036, C>A on the plus strand (G>T on the coding strand, the complement: EMC1 is on the minus strand). VCF-style: chr1-19241036-C-A. GRCh37 (hg19) VCF-style: chr1-19567530-C-A.
Other names: c.616G>T, p.Asp206Tyr (NM_001271427.2, NM_001271428.2, NM_001375820.1 and 1 more transcripts); c.550G>T, p.Asp184Tyr (NM_001271429.2); short protein forms D184Y, D206Y.
Identifiers: ClinVar variation 1064246 (VCV001064246.9), dbSNP rs2151959574, ClinGen allele CA338769875.
Genomic context (GRCh38, chr1:19,241,036, plus strand): 5'-AACCCCACCTTATTCACAGGCTCCTGTCACCCTCCTGTACCTGCTGAACAATCTCTCCAT[C>A]TTCCACATTAAACTTGACAATGTTCACATGGCTGAAGGGAACAACTCCGAGGGCCCACAC-3'
Protein context (NP_055862.1, residues 196-216): HVNIVKFNVE[Asp206Tyr]GEIVQQVRVS

ClinVar aggregate classification (germline): Uncertain significance (1 of 4 stars; one submission).

Submission:

Labcorp Genetics (formerly Invitae), Labcorp
Classification: Uncertain significance. Last evaluated: 2023-10-03. Review status: criteria provided, single submitter. Criteria: Invitae Variant Classification Sherloc (09022015). Collection method: clinical testing. Allele origin: germline.
Comment: This sequence change replaces aspartic acid, which is acidic and polar, with tyrosine, which is neutral and polar, at codon 206 of the EMC1 protein (p.Asp206Tyr). This variant is not present in population databases (gnomAD no frequency). This variant has not been reported in the literature in individuals affected with EMC1-related conditions. ClinVar contains an entry for this variant (Variation ID: 1064246). Advanced modeling of protein sequence and biophysical properties (such as structural, functional, and spatial information, amino acid conservation, physicochemical variation, residue mobility, and thermodynamic stability) performed at Invitae indicates that this missense variant is expected to disrupt EMC1 protein function. In summary, the available evidence is currently insufficient to determine the role of this variant in disease. Therefore, it has been classified as a Variant of Uncertain Significance.